The following is an entry in ClinVar:

ClinVar aggregate classification (germline): Uncertain significance (1 of 4 stars; one submission).

Allele frequency attached by ClinVar (database versions not stated): gnomAD exomes below 0.00001; ExAC 0.00002; gnomAD 0.00004; TOPMed 0.00005; ESP Exome Variant Server 0.00008.
gnomAD v4.1: 12 of 1,611,616 alleles (0.00074%); highest among the groups gnomAD compares: African/African-American, 0.011%; no homozygotes.

Submission:

Labcorp Genetics (formerly Invitae), Labcorp
Classification: Uncertain significance. Last evaluated: 2025-10-13. Review status: criteria provided, single submitter. Criteria: Invitae Variant Classification Sherloc (09022015). Collection method: clinical testing. Allele origin: germline.
Comment: This sequence change replaces threonine, which is neutral and polar, with alanine, which is neutral and non-polar, at codon 479 of the EFTUD2 protein (p.Thr479Ala). This variant is present in population databases (rs368009073, gnomAD 0.02%). This variant has not been reported in the literature in individuals affected with EFTUD2-related conditions. ClinVar contains an entry for this variant (Variation ID: 1923610). Invitae Evidence Modeling of protein sequence and biophysical properties (such as structural, functional, and spatial information, amino acid conservation, physicochemical variation, residue mobility, and thermodynamic stability) has been performed for this missense variant. However, the output from this modeling did not meet the statistical confidence thresholds required to predict the impact of this variant on EFTUD2 protein function. In summary, the available evidence is currently insufficient to determine the role of this variant in disease. Therefore, it has been classified as a Variant of Uncertain Significance.

NM_004247.4(EFTUD2):c.1435A>G (p.Thr479Ala)

Gene: EFTUD2 (elongation factor Tu GTP binding domain containing 2; minus strand). Cytogenetic location: 17q21.31.
Variant type: single nucleotide variant.
Coding change: c.1435A>G on transcript NM_004247.4 (MANE Select); coding-DNA position 1435, A replaced by G.
Protein change: p.Thr479Ala; replaces threonine 479 with alanine.
Molecular consequence: missense variant.
Genome position (GRCh38, 1-based): chr17:44,862,885, T>C on the plus strand (A>G on the coding strand, the complement: EFTUD2 is on the minus strand). VCF-style: chr17-44862885-T-C. GRCh37 (hg19) VCF-style: chr17-42940253-T-C.
Other names: c.1330A>G, p.Thr444Ala (NM_001142605.2); c.1435A>G, p.Thr479Ala (NM_001258353.2); c.1405A>G, p.Thr469Ala (NM_001258354.2); short protein forms T444A, T479A, T469A.
Identifiers: ClinVar variation 1923610 (VCV001923610.5), dbSNP rs368009073, ClinGen allele CA8607766.